The following is an entry in ClinVar:

NM_020719.3(PRR12):c.3072C>T (p.Ala1024=)

Gene: PRR12 (proline rich 12; plus strand). Cytogenetic location: 19q13.33.
Variant type: single nucleotide variant.
Coding change: c.3072C>T on transcript NM_020719.3 (MANE Select); coding-DNA position 3072, C replaced by T.
Protein change: p.Ala1024=; no amino-acid change (alanine 1024 retained).
Molecular consequence: synonymous variant.
Genome position (GRCh38, 1-based): chr19:49,597,407, C>T. VCF-style: chr19-49597407-C-T. GRCh37 (hg19) VCF-style: chr19-50100664-C-T.
Identifiers: ClinVar variation 782655 (VCV000782655.7), dbSNP rs59504733, ClinGen allele CA9578237.

ClinVar aggregate classification (germline): Benign. Review status: criteria provided, multiple submitters, no conflicts (2 of 4 stars). 3 submissions from 3 submitters: Benign (2). 1 of the submissions does not count toward it. Last evaluated 2019-12-31.

Conditions:
PRR12-related disorder. Also called: PRR12-related condition.

Allele frequency attached by ClinVar (database versions not stated): ExAC 0.00054; gnomAD exomes 0.00076 and 0.00170; ESP Exome Variant Server 0.00619; 1000 Genomes Project 30x 0.00890; gnomAD 0.00768 and 0.00838; 1000 Genomes Project 0.00799; TOPMed 0.00871.
gnomAD v4.1: 2,281 of 1,537,806 alleles (0.15%); highest among the groups gnomAD compares: African/African-American, 2.7%; 37 homozygotes.

Submissions (3):

Labcorp Genetics (formerly Invitae), Labcorp
Classification: Benign. Last evaluated: 2019-12-31. Review status: criteria provided, single submitter. Criteria: Invitae Variant Classification Sherloc (09022015). Collection method: clinical testing. Allele origin: germline.

Breakthrough Genomics
Classification: Benign. Review status: criteria provided, single submitter. Criteria: ACMG Guidelines, 2015. Collection method: not provided. Allele origin: germline. Inheritance: Autosomal dominant inheritance. Affected: yes.

PreventionGenetics, part of Exact Sciences
Classification: Benign for PRR12-related condition. Last evaluated: 2020-10-21. Review status: no assertion criteria provided. Collection method: clinical testing. Allele origin: germline. Not counted in ClinVar's aggregate classification.
Comment: This variant is classified as benign based on ACMG/AMP sequence variant interpretation guidelines (Richards et al. 2015 PMID: 25741868, with internal and published modifications).